The following is an entry in ClinVar:

NM_003922.4(HERC1):c.8092C>T (p.Arg2698Trp)

Gene: HERC1 (HECT and RLD domain containing E3 ubiquitin protein ligase family member 1; minus strand). Cytogenetic location: 15q22.31.
Variant type: single nucleotide variant.
Coding change: c.8092C>T on transcript NM_003922.4 (MANE Select); coding-DNA position 8092, C replaced by T.
Protein change: p.Arg2698Trp; replaces arginine 2698 with tryptophan.
Molecular consequence: missense variant.
Genome position (GRCh38, 1-based): chr15:63,669,652, G>A on the plus strand (C>T on the coding strand, the complement: HERC1 is on the minus strand). VCF-style: chr15-63669652-G-A. GRCh37 (hg19) VCF-style: chr15-63961851-G-A.
Other names: short protein forms R2698W.
Identifiers: ClinVar variation 3393892 (VCV003393892.1).

ClinVar aggregate classification (germline): Uncertain significance (1 of 4 stars; one submission).

gnomAD v4.1: 6 of 1,613,788 alleles (0.00037%); highest among the groups gnomAD compares: East Asian, 0.0022%; no homozygotes.

Submission:

GeneDx
Classification: Uncertain significance. Last evaluated: 2024-07-05. Review status: criteria provided, single submitter. Criteria: GeneDx Variant Classification Process June 2021. Collection method: clinical testing. Allele origin: germline. Affected: yes.
Comment: Not observed at significant frequency in large population cohorts (gnomAD); In silico analysis supports that this missense variant has a deleterious effect on protein structure/function; Has not been previously published as pathogenic or benign to our knowledge